The following is an entry in ClinVar:

ClinVar aggregate classification (germline): Uncertain significance (0 of 4 stars; one submission).

Conditions:
UTP4-related disorder. Also called: UTP4-related condition.

Submission:

PreventionGenetics, part of Exact Sciences
Classification: Uncertain significance for UTP4-related condition. Last evaluated: 2024-02-27. Review status: no assertion criteria provided. Collection method: clinical testing. Allele origin: germline.
Comment: The UTP4 c.1946C>A variant is predicted to result in the amino acid substitution p.Pro649His. To our knowledge, this variant has not been reported in the literature or in a large population database, indicating this variant is rare. At this time, the clinical significance of this variant is uncertain due to the absence of conclusive functional and genetic evidence.

NM_032830.3(UTP4):c.1946C>A (p.Pro649His)

Gene: UTP4 (UTP4 small subunit processome component). Cytogenetic location: 16q22.1.
Variant type: single nucleotide variant.
Coding change: c.1946C>A on transcript NM_032830.3 (MANE Select); coding-DNA position 1946, C replaced by A.
Protein change: p.Pro649His; replaces proline 649 with histidine.
Molecular consequence: missense variant.
Genome position (GRCh38, 1-based): chr16:69,168,822, C>A. VCF-style: chr16-69168822-C-A. GRCh37 (hg19) VCF-style: chr16-69202725-C-A.
Other names: c.1697C>A, p.Pro566His (NM_001318391.2); short protein forms P566H, P649H.
Identifiers: ClinVar variation 3030305 (VCV003030305.2), dbSNP rs1963768301, ClinGen allele CA396510775.